The following is an entry in ClinVar:

ClinVar aggregate classification (germline): Pathogenic (1 of 4 stars; one submission).

Conditions:
Usher syndrome type 1F (USH1F). Also called: USHER SYNDROME, TYPE IF. Identifiers: Orphanet 231169, Orphanet 886, MedGen C1865885, MONDO:0011186, OMIM 602083.

Submission:

Myriad Genetics, Inc.
Classification: Pathogenic for Usher syndrome type 1F. Last evaluated: 2026-05-29. Review status: criteria provided, single submitter. Criteria: Myriad Autosomal Dominant, Autosomal Recessive and X-Linked Classification Criteria (2023). Collection method: clinical testing. Allele origin: unknown.
Comment: NM_033056.3(PCDH15):c.719delA(N240Ifs*2) is expected to be pathogenic in the context of PCDH15-related disorders. This variant is predicted to lead to an abnormal or absent protein product due to the creation of a premature termination codon in PCDH15, a gene where loss-of-function variants are known to be pathogenic. Please note: this variant was assessed in the context of healthy population screening.

NM_001384140.1(PCDH15):c.719del (p.Asn240fs)

Gene: PCDH15 (protocadherin related 15; minus strand). Cytogenetic location: 10q21.1.
Variant type: Deletion.
Coding change: c.719del on transcript NM_001384140.1 (MANE Select); coding-DNA position 719, one base deleted (A; older notation c.719delA).
Protein change: p.Asn240fs; shifts the reading frame from asparagine 240.
Molecular consequence: frameshift variant.
Genome position (GRCh38, 1-based): chr10:54,317,428, T deleted on the plus strand (A on the coding strand, the reverse complement: PCDH15 is on the minus strand); the first of 4 consecutive T bases (chr10:54,317,428-54,317,431); deleting any one gives the same sequence. VCF-style (leftmost placement, unchanged base first): chr10-54317427-AT-A. GRCh37 (hg19) VCF-style: chr10-56077187-AT-A.
Other names: c.734del, p.Asn245fs (NM_001142763.2, NM_001142771.2); c.719del, p.Asn240fs (NM_001142764.2, NM_001142765.2, NM_001142766.2 and 7 more transcripts); c.608del, p.Asn203fs (NM_001142767.2); c.653del, p.Asn218fs (NM_001142768.2, NM_001142773.2, NM_001354404.2); c.731delA, p.Asn245Ilefs (NM_001142769.4); short protein forms N203fs, N218fs, N240fs, N245fs.
Identifiers: ClinVar variation 5015970 (VCV005015970.1).